The following is an entry in ClinVar:

NM_000203.5(IDUA):c.1387G>C (p.Val463Leu)

Gene: IDUA (alpha-L-iduronidase; plus strand). Cytogenetic location: 4p16.3.
Variant type: single nucleotide variant.
Coding change: c.1387G>C on transcript NM_000203.5 (MANE Select); coding-DNA position 1387, G replaced by C.
Protein change: p.Val463Leu; replaces valine 463 with leucine.
Molecular consequence: missense variant. On other transcripts: non-coding transcript variant (1).
Genome position (GRCh38, 1-based): chr4:1,002,929, G>C. VCF-style: chr4-1002929-G-C. GRCh37 (hg19) VCF-style: chr4-996717-G-C.
Other names: c.991G>C, p.Val331Leu (NM_001363576.1); short protein forms V331L, V463L.
Identifiers: ClinVar variation 2697427 (VCV002697427.3), dbSNP rs1715194225, ClinGen allele CA355964311.
Genomic context (GRCh38, chr4:1,002,929, plus strand): 5'-AGCGACGACACCCGCGCCCACCCCAACCGCAGCGTCGCGGTGACCCTGCGGCTGCGCGGG[G>C]TGCCCCCCGGCCCGGGTAAGCCGGGGTTCCAGGGAGGTCTCTGGCCCCGCTGGGGCTCTG-3'
Protein context (NP_000194.2, residues 453-473): SVAVTLRLRG[Val463Leu]PPGPGLVYVT

ClinVar aggregate classification (germline): Uncertain significance (1 of 4 stars; one submission).

Conditions:
Mucopolysaccharidosis type 1. Also called: Mucopolysaccharidosis Type I; IDUA deficiency; MPS I. Identifiers: Orphanet 579, MedGen C0023786, MONDO:0001586.

Submission:

Labcorp Genetics (formerly Invitae), Labcorp
Classification: Uncertain significance for Mucopolysaccharidosis type 1. Last evaluated: 2023-11-27. Review status: criteria provided, single submitter. Criteria: Invitae Variant Classification Sherloc (09022015). Collection method: clinical testing. Allele origin: germline.
Comment: This sequence change replaces valine, which is neutral and non-polar, with leucine, which is neutral and non-polar, at codon 463 of the IDUA protein (p.Val463Leu). This variant is not present in population databases (gnomAD no frequency). This variant has not been reported in the literature in individuals affected with IDUA-related conditions. Advanced modeling of protein sequence and biophysical properties (such as structural, functional, and spatial information, amino acid conservation, physicochemical variation, residue mobility, and thermodynamic stability) performed at Invitae indicates that this missense variant is not expected to disrupt IDUA protein function with a negative predictive value of 95%. In summary, the available evidence is currently insufficient to determine the role of this variant in disease. Therefore, it has been classified as a Variant of Uncertain Significance.